The following is an entry in ClinVar:

ClinVar aggregate classification (germline): Uncertain significance. Review status: criteria provided, multiple submitters, no conflicts (2 of 4 stars). 4 submissions from 4 submitters: Uncertain significance (4). Last evaluated 2024-10-07.

Conditions:
Norman-Roberts syndrome (LIS2). Also called: Lissencephaly 2 (Norman-Roberts type). Identifiers: Orphanet 89844, MedGen C0796089, MONDO:0009760, OMIM 257320.
Familial temporal lobe epilepsy 7. Identifiers: Orphanet 101046, MedGen C4225327, MONDO:0014639, OMIM 616436.
Inborn genetic diseases. Identifiers: MedGen C0950123, MeSH D030342.

Allele frequency attached by ClinVar (database versions not stated): gnomAD exomes 0.00004; gnomAD 0.00005 and 0.00006; TOPMed 0.00006; ExAC 0.00007; ESP Exome Variant Server 0.00023.
gnomAD v4.1: 67 of 1,613,784 alleles (0.0042%); highest among the groups gnomAD compares: Non-Finnish European, 0.0057%; no homozygotes.

Submissions (4):

Labcorp Genetics (formerly Invitae), Labcorp
Classification: Uncertain significance for Familial temporal lobe epilepsy 7; Norman-Roberts syndrome. Last evaluated: 2024-10-07. Review status: criteria provided, single submitter. Criteria: Invitae Variant Classification Sherloc (09022015). Collection method: clinical testing. Allele origin: germline.
Comment: This sequence change replaces arginine, which is basic and polar, with lysine, which is basic and polar, at codon 3452 of the RELN protein (p.Arg3452Lys). This variant is present in population databases (rs149434986, gnomAD 0.008%). This variant has not been reported in the literature in individuals affected with RELN-related conditions. ClinVar contains an entry for this variant (Variation ID: 432578). Invitae Evidence Modeling of protein sequence and biophysical properties (such as structural, functional, and spatial information, amino acid conservation, physicochemical variation, residue mobility, and thermodynamic stability) indicates that this missense variant is not expected to disrupt RELN protein function with a negative predictive value of 80%. Algorithms developed to predict the effect of sequence changes on RNA splicing suggest that this variant may disrupt the consensus splice site. In summary, the available evidence is currently insufficient to determine the role of this variant in disease. Therefore, it has been classified as a Variant of Uncertain Significance.

Ambry Genetics
Classification: Uncertain significance for Inborn genetic diseases. Last evaluated: 2023-09-25. Review status: criteria provided, single submitter. Criteria: Ambry Variant Classification Scheme 2023. Collection method: clinical testing. Allele origin: germline.

CeGaT Center for Human Genetics Tuebingen
Classification: Uncertain significance. Last evaluated: 2022-04-01. Review status: criteria provided, single submitter. Criteria: CeGaT Center For Human Genetics Tuebingen Variant Classification Criteria Version 2. Collection method: clinical testing. Allele origin: germline. Affected: yes. Observed: 1 variant allele.

GeneDx
Classification: Uncertain significance. Last evaluated: 2017-06-13. Review status: criteria provided, single submitter. Criteria: GeneDx Variant Classification (06012015). Collection method: clinical testing. Allele origin: germline. Affected: yes.
Comment: A variant of uncertain significance has been identified in the RELN gene. The R3452K variant has not been published as a pathogenic variant, nor has it been reported as a benign variant to our knowledge. The R3452K variant is observed in 9/66,624 (0.1%) alleles from individuals of European background (Lek et al., 2016; 1000 Genomes Consortium et al., 2015; Exome Variant Server). This substitution occurs at a position that is conserved across species. However, the R3452K variant is a conservative amino acid substitution, which is not likely to impact secondary protein structure as these residues share similar properties. In silico analysis is inconsistent in its predictions as to whether or not the variant is damaging to the protein structure/function. Therefore, based on the currently available information, it is unclear whether this variant is a pathogenic variant or a rare benign variant.

NM_005045.4(RELN):c.10355G>A (p.Arg3452Lys)

Genes: RELN (reelin; minus strand), SLC26A5-AS1 (SLC26A5 antisense RNA 1; plus strand). Cytogenetic location: 7q22.1.
Variant type: single nucleotide variant.
Coding change: c.10355G>A on transcript NM_005045.4 (MANE Select); coding-DNA position 10355, G replaced by A.
Protein change: p.Arg3452Lys; replaces arginine 3452 with lysine.
Molecular consequence: missense variant.
Genome position (GRCh38, 1-based): chr7:103,472,840, C>T on the plus strand (G>A on the coding strand, the complement: RELN is on the minus strand). VCF-style: chr7-103472840-C-T. GRCh37 (hg19) VCF-style: chr7-103113287-C-T.
Other names: c.10349G>A, p.Arg3450Lys (NM_173054.3); short protein forms R3452K, R3450K.
Identifiers: ClinVar variation 432578 (VCV000432578.39), dbSNP rs149434986, ClinGen allele CA4419912.